The following is an entry in ClinVar:

ClinVar aggregate classification (germline): Conflicting classifications of pathogenicity. Review status: criteria provided, conflicting classifications (1 of 4 stars). 5 submissions from 5 submitters: Uncertain significance (4); Likely benign (1). Last evaluated 2025-12-04.

Conditions:
Hypokalemic periodic paralysis, type 1. Also called: Hypokalemic Periodic Paralysis Type 1 (AD); HypoPP. Identifiers: Orphanet 681, MedGen C3714580, MONDO:0042979, OMIM 170400.
Malignant hyperthermia, susceptibility to, 5 (MHS5). Also called: CACNA1S-Related Malignant Hyperthermia Susceptibility. Identifiers: Orphanet 423, MedGen C1866077, MONDO:0011163, OMIM 601887.
Inborn genetic diseases. Identifiers: MedGen C0950123, MeSH D030342.
Thyrotoxic periodic paralysis, susceptibility to, 1 (TTPP1). Identifiers: Orphanet 79102, MedGen C2749982, MONDO:0008570, OMIM 188580.

Allele frequency attached by ClinVar (database versions not stated): gnomAD 0.00002; gnomAD exomes 0.00002; ExAC 0.00003; TOPMed 0.00005; ESP Exome Variant Server 0.00008.
gnomAD v4.1: 38 of 1,614,122 alleles (0.0024%); highest among the groups gnomAD compares: Non-Finnish European, 0.0031%; no homozygotes.

Submissions (5):

Ambry Genetics
Classification: Uncertain significance for Inborn genetic diseases. Last evaluated: 2025-12-04. Review status: criteria provided, single submitter. Criteria: Ambry Variant Classification Scheme 2023. Collection method: clinical testing. Allele origin: germline.

Labcorp Genetics (formerly Invitae), Labcorp
Classification: Likely benign for Hypokalemic periodic paralysis, type 1; Malignant hyperthermia, susceptibility to, 5. Last evaluated: 2025-11-26. Review status: criteria provided, single submitter. Criteria: Invitae Variant Classification Sherloc (09022015). Collection method: clinical testing. Allele origin: germline.

Color Diagnostics, LLC DBA Color Health
Classification: Uncertain significance for Malignant hyperthermia, susceptibility to, 5. Last evaluated: 2025-06-23. Review status: criteria provided, single submitter. Criteria: ACMG Guidelines, 2015. Collection method: clinical testing. Allele origin: germline.
Comment: This missense variant replaces threonine with alanine at codon 1501 of the CACNA1S protein. Computational prediction suggests that this variant may not impact protein structure and function. To our knowledge, functional studies have not been reported for this variant. This variant has not been reported in individuals affected with CACNA1S-related disorders in the literature. This variant has been identified in 6/251434 chromosomes in the general population by the Genome Aggregation Database (gnomAD). The available evidence is insufficient to determine the role of this variant in disease conclusively. Therefore, this variant is classified as a Variant of Uncertain Significance.

Fulgent Genetics
Classification: Uncertain significance for Hypokalemic periodic paralysis, type 1; Thyrotoxic periodic paralysis, susceptibility to, 1; Malignant hyperthermia, susceptibility to, 5. Last evaluated: 2022-04-15. Review status: criteria provided, single submitter. Criteria: ACMG Guidelines, 2015. Collection method: clinical testing. Allele origin: unknown.

Illumina Laboratory Services, Illumina
Classification: Uncertain significance for Hypokalemic periodic paralysis, type 1. Last evaluated: 2018-01-12. Review status: criteria provided, single submitter. Criteria: ICSL Variant Classification Criteria 13 December 2019. Collection method: clinical testing. Allele origin: germline.

NM_000069.3(CACNA1S):c.4501A>G (p.Thr1501Ala)

Gene: CACNA1S (calcium voltage-gated channel subunit alpha1 S; minus strand). Cytogenetic location: 1q32.1.
Variant type: single nucleotide variant.
Coding change: c.4501A>G on transcript NM_000069.3 (MANE Select); coding-DNA position 4501, A replaced by G.
Protein change: p.Thr1501Ala; replaces threonine 1501 with alanine.
Molecular consequence: missense variant.
Genome position (GRCh38, 1-based): chr1:201,047,567, T>C on the plus strand (A>G on the coding strand, the complement: CACNA1S is on the minus strand). VCF-style: chr1-201047567-T-C. GRCh37 (hg19) VCF-style: chr1-201016695-T-C.
Other names: short protein forms T1501A.
Identifiers: ClinVar variation 875616 (VCV000875616.11), dbSNP rs373248127, ClinGen allele CA083395.